The following is an entry in ClinVar:

NM_000053.4(ATP7B):c.3010C>T (p.Gln1004Ter)

Gene: ATP7B (ATPase copper transporting beta; minus strand). Cytogenetic location: 13q14.3.
Variant type: single nucleotide variant.
Coding change: c.3010C>T on transcript NM_000053.4 (MANE Select); coding-DNA position 3010, C replaced by T.
Protein change: p.Gln1004Ter; replaces glutamine 1004 with a stop codon.
Molecular consequence: nonsense.
Genome position (GRCh38, 1-based): chr13:51,946,334, G>A on the plus strand (C>T on the coding strand, the complement: ATP7B is on the minus strand). VCF-style: chr13-51946334-G-A. GRCh37 (hg19) VCF-style: chr13-52520470-G-A.
Other names: c.2758C>T, p.Gln920Ter (NM_001406532.1, NM_001330579.2, NM_001406531.1); c.1720C>T, p.Gln574Ter (NM_001406548.1); c.2389C>T, p.Gln797Ter (NM_001005918.3); c.2677C>T, p.Gln893Ter (NM_001243182.2); c.2776C>T, p.Gln926Ter (NM_001330578.2, NM_001406538.1, NM_001406527.1 and 1 more transcripts); c.3010C>T, p.Gln1004Ter (NM_001406511.1, NM_001406512.1, NM_001406513.1 and 2 more transcripts); c.2977C>T, p.Gln993Ter (NM_001406514.1); c.2956C>T, p.Gln986Ter (NM_001406515.1, NM_001406516.1); and 12 more; short protein forms Q574*, Q810*, Q959*, Q788*, Q861*, Q888*, Q894*, Q920*.
Identifiers: ClinVar variation 2137517 (VCV002137517.5), dbSNP rs1448968475, ClinGen allele CA388032011.

ClinVar aggregate classification (germline): Pathogenic. Review status: criteria provided, multiple submitters, no conflicts (2 of 4 stars). 2 submissions from 2 submitters: Pathogenic (2). Last evaluated 2022-08-23.

Conditions:
Wilson disease (WND). Also called: Wilson's disease. Identifiers: Orphanet 905, MedGen C0019202, MONDO:0010200, OMIM 277900. Disease mechanism: loss of function.

Submissions (2):

Baylor Genetics
Classification: Pathogenic for Wilson disease. Last evaluated: 2022-08-23. Review status: criteria provided, single submitter. Criteria: ACMG Guidelines, 2015. Collection method: clinical testing. Allele origin: unknown.

Labcorp Genetics (formerly Invitae), Labcorp
Classification: Pathogenic for Wilson disease. Last evaluated: 2022-06-10. Review status: criteria provided, single submitter. Criteria: Invitae Variant Classification Sherloc (09022015). Collection method: clinical testing. Allele origin: germline.
Comment: For these reasons, this variant has been classified as Pathogenic. This premature translational stop signal has been observed in individual(s) with Wilson disease (PMID: 27022412). This variant is not present in population databases (gnomAD no frequency). This sequence change creates a premature translational stop signal (p.Gln1004*) in the ATP7B gene. It is expected to result in an absent or disrupted protein product. Loss-of-function variants in ATP7B are known to be pathogenic (PMID: 10441329, 16283883).

Literature cited by the submitters: PubMed 27022412 (cited by Labcorp Genetics (formerly Invitae), Labcorp); PubMed 10441329 (cited by Labcorp Genetics (formerly Invitae), Labcorp); PubMed 16283883 (cited by Labcorp Genetics (formerly Invitae), Labcorp).